The following is an entry in ClinVar:

NM_000222.3(KIT):c.227A>C (p.Glu76Ala)

Gene: KIT (KIT proto-oncogene, receptor tyrosine kinase; plus strand). Cytogenetic location: 4q12.
Variant type: single nucleotide variant.
Coding change: c.227A>C on transcript NM_000222.3 (MANE Select); coding-DNA position 227, A replaced by C.
Protein change: p.Glu76Ala; replaces glutamic acid 76 with alanine.
Molecular consequence: missense variant.
Genome position (GRCh38, 1-based): chr4:54,695,671, A>C. VCF-style: chr4-54695671-A-C. GRCh37 (hg19) VCF-style: chr4-55561837-A-C.
Other names: c.227A>C, p.Glu76Ala (NM_001093772.2, NM_001385284.1, NM_001385285.1 and 4 more transcripts); short protein forms E76A.
Identifiers: ClinVar variation 3534737 (VCV003534737.1).

ClinVar aggregate classification (germline): Uncertain significance (1 of 4 stars; one submission).

Conditions:
Hereditary cancer-predisposing syndrome. Also called: Hereditary Cancer Syndrome; Hereditary neoplastic syndrome; Tumor predisposition; Neoplastic Syndromes, Hereditary. Identifiers: Orphanet 140162, MedGen C0027672, MeSH D009386, MONDO:0015356.

Submission:

Ambry Genetics
Classification: Uncertain significance for Hereditary cancer-predisposing syndrome. Last evaluated: 2024-12-02. Review status: criteria provided, single submitter. Criteria: Ambry Variant Classification Scheme 2023. Collection method: clinical testing. Allele origin: germline.
Comment: The p.E76A variant (also known as c.227A>C), located in coding exon 2 of the KIT gene, results from an A to C substitution at nucleotide position 227. The glutamic acid at codon 76 is replaced by alanine, an amino acid with dissimilar properties. This amino acid position is conserved. In addition, this alteration is predicted to be tolerated by in silico analysis. Based on the available evidence, the clinical significance of this variant remains unclear.